The following is an entry in ClinVar:

NM_003242.6(TGFBR2):c.565T>C (p.Tyr189His)

Gene: TGFBR2 (transforming growth factor beta receptor 2; plus strand). Cytogenetic location: 3p24.1.
Variant type: single nucleotide variant.
Coding change: c.565T>C on transcript NM_003242.6 (MANE Select); coding-DNA position 565, T replaced by C.
Protein change: p.Tyr189His; replaces tyrosine 189 with histidine.
Molecular consequence: missense variant. On other transcripts: intron variant (1).
Genome position (GRCh38, 1-based): chr3:30,671,748, T>C. VCF-style: chr3-30671748-T-C. GRCh37 (hg19) VCF-style: chr3-30713240-T-C.
Other names: c.460T>C, p.Tyr154His (NM_001407132.1, NM_001407133.1, NM_001407134.1 and 2 more transcripts); c.280T>C, p.Tyr94His (NM_001407137.1); c.205T>C, p.Tyr69His (NM_001407138.1); c.530-16639T>C (NM_001407139.1); c.640T>C, p.Tyr214His (NM_001024847.3); c.748T>C, p.Tyr250His (NM_001407126.1); c.673T>C, p.Tyr225His (NM_001407127.1); c.592T>C, p.Tyr198His (NM_001407128.1); and 2 more; short protein forms Y154H, Y189H, Y190H, Y198H, Y214H, Y225H, Y250H, Y69H.
Identifiers: ClinVar variation 3386065 (VCV003386065.1).

ClinVar aggregate classification (germline): Uncertain significance (1 of 4 stars; one submission).

Conditions:
Loeys-Dietz syndrome 2 (LDS2). Also called: TGFBR2-Related Loeys-Dietz Syndrome; AORTIC ANEURYSM, FAMILIAL THORACIC 3; MARFAN SYNDROME, TYPE II; Marfan syndrome, type 2 (formerly); Marfan Syndrome type 2; Marfan like connective tissue disorder. Identifiers: Orphanet 284973, Orphanet 558, MedGen C2674574, MONDO:0012427, OMIM 610168.

Submission:

All of Us Research Program, National Institutes of Health
Classification: Uncertain significance for Loeys-Dietz syndrome 2. Last evaluated: 2024-08-06. Review status: criteria provided, single submitter. Criteria: ACMG Guidelines, 2015. Collection method: clinical testing. Allele origin: germline. Inheritance: Autosomal dominant inheritance. Observed: 1 variant allele, 1 heterozygote.
Comment: This study involves interpretation of variants in research participants for the purpose of population health screening. Participant phenotype was not available at the time of variant classification. Additional details can be found in publication PMID: 35346344, PMCID: PMC8962531